The following is an entry in ClinVar:

NM_002880.4(RAF1):c.1886C>G (p.Ala629Gly)

Gene: RAF1 (Raf-1 proto-oncogene, serine/threonine kinase; minus strand). Cytogenetic location: 3p25.2.
Variant type: single nucleotide variant.
Coding change: c.1886C>G on transcript NM_002880.4 (MANE Select); coding-DNA position 1886, C replaced by G.
Protein change: p.Ala629Gly; replaces alanine 629 with glycine.
Molecular consequence: missense variant. On other transcripts: non-coding transcript variant (3).
Genome position (GRCh38, 1-based): chr3:12,584,575, G>C on the plus strand (C>G on the coding strand, the complement: RAF1 is on the minus strand). VCF-style: chr3-12584575-G-C. GRCh37 (hg19) VCF-style: chr3-12626074-G-C.
Other names: c.1946C>G, p.Ala649Gly (NM_001354689.3); c.1886C>G, p.Ala629Gly (NM_001354690.3); c.1643C>G, p.Ala548Gly (NM_001354691.3, NM_001354692.3); c.1787C>G, p.Ala596Gly (NM_001354693.3); c.1703C>G, p.Ala568Gly (NM_001354694.3); c.1544C>G, p.Ala515Gly (NM_001354695.3); short protein forms A515G, A629G, A568G, A596G, A649G, A548G.
Identifiers: ClinVar variation 1474502 (VCV001474502.8), dbSNP rs1228678241, ClinGen allele CA351495739.

ClinVar aggregate classification (germline): Uncertain significance (1 of 4 stars; one submission).

Conditions:
RASopathy. Also called: rasopathies; Noonan spectrum disorder. Identifiers: Orphanet 536391, MedGen C5555857, MONDO:0021060.

Submission:

Labcorp Genetics (formerly Invitae), Labcorp
Classification: Uncertain significance for RASopathy. Last evaluated: 2021-05-30. Review status: criteria provided, single submitter. Criteria: Invitae Variant Classification Sherloc (09022015). Collection method: clinical testing. Allele origin: germline.
Comment: This variant has not been reported in the literature in individuals with RAF1-related conditions. This variant is not present in population databases (ExAC no frequency). This sequence change replaces alanine with glycine at codon 629 of the RAF1 protein (p.Ala629Gly). The alanine residue is weakly conserved and there is a small physicochemical difference between alanine and glycine. In summary, the available evidence is currently insufficient to determine the role of this variant in disease. Therefore, it has been classified as a Variant of Uncertain Significance. Advanced modeling of protein sequence and biophysical properties (such as structural, functional, and spatial information, amino acid conservation, physicochemical variation, residue mobility, and thermodynamic stability) performed at Invitae indicates that this missense variant is not expected to disrupt RAF1 protein function.